The following is an entry in ClinVar:

NM_000222.3(KIT):c.679G>A (p.Glu227Lys)

Gene: KIT (KIT proto-oncogene, receptor tyrosine kinase; plus strand). Cytogenetic location: 4q12.
Variant type: single nucleotide variant.
Coding change: c.679G>A on transcript NM_000222.3 (MANE Select); coding-DNA position 679, G replaced by A.
Protein change: p.Glu227Lys; replaces glutamic acid 227 with lysine.
Molecular consequence: missense variant.
Genome position (GRCh38, 1-based): chr4:54,699,689, G>A. VCF-style: chr4-54699689-G-A. GRCh37 (hg19) VCF-style: chr4-55565855-G-A.
Other names: c.679G>A, p.Glu227Lys (NM_001093772.2, NM_001385284.1, NM_001385285.1 and 4 more transcripts); short protein forms E227K.
Identifiers: ClinVar variation 4093199 (VCV004093199.1).

ClinVar aggregate classification (germline): Uncertain significance (1 of 4 stars; one submission).

Conditions:
Hereditary cancer-predisposing syndrome. Also called: Tumor predisposition; Neoplastic Syndromes, Hereditary; Hereditary neoplastic syndrome; Hereditary Cancer Syndrome. Identifiers: Orphanet 140162, MedGen C0027672, MeSH D009386, MONDO:0015356.

gnomAD v4.1: 2 of 1,613,948 alleles (0.00012%); highest among the groups gnomAD compares: East Asian, 0.0045%; no homozygotes.

Submission:

Ambry Genetics
Classification: Uncertain significance for Hereditary cancer-predisposing syndrome. Last evaluated: 2025-09-10. Review status: criteria provided, single submitter. Criteria: Ambry Variant Classification Scheme 2023. Collection method: clinical testing. Allele origin: germline.
Comment: The p.E227K variant (also known as c.679G>A), located in coding exon 4 of the KIT gene, results from a G to A substitution at nucleotide position 679. The glutamic acid at codon 227 is replaced by lysine, an amino acid with similar properties. This amino acid position is conserved. In addition, this alteration is predicted to be tolerated by in silico analysis. Based on the available evidence, the clinical significance of this variant remains unclear.